The following is an entry in ClinVar:

ClinVar aggregate classification (germline): Uncertain significance (1 of 4 stars; one submission).

Submission:

GeneDx
Classification: Uncertain significance. Last evaluated: 2023-10-17. Review status: criteria provided, single submitter. Criteria: GeneDx Variant Classification Process June 2021. Collection method: clinical testing. Allele origin: germline. Affected: yes.
Comment: Has not been previously published as pathogenic or benign to our knowledge; Not observed at significant frequency in large population cohorts (gnomAD); In silico analysis supports that this missense variant has a deleterious effect on protein structure/function

NM_052867.4(NALCN):c.3704A>G (p.Asp1235Gly)

Gene: NALCN (sodium leak channel, non-selective; minus strand). Cytogenetic location: 13q32.3.
Variant type: single nucleotide variant.
Coding change: c.3704A>G on transcript NM_052867.4 (MANE Select); coding-DNA position 3704, A replaced by G.
Protein change: p.Asp1235Gly; replaces aspartic acid 1235 with glycine.
Molecular consequence: missense variant.
Genome position (GRCh38, 1-based): chr13:101,082,870, T>C on the plus strand (A>G on the coding strand, the complement: NALCN is on the minus strand). VCF-style: chr13-101082870-T-C. GRCh37 (hg19) VCF-style: chr13-101735221-T-C.
Other names: c.3791A>G, p.Asp1264Gly (NM_001350748.2); c.3704A>G, p.Asp1235Gly (NM_001350749.2); c.3617A>G, p.Asp1206Gly (NM_001350750.2, NM_001350751.2); short protein forms D1206G, D1235G, D1264G.
Identifiers: ClinVar variation 3366078 (VCV003366078.1).